The following is an entry in ClinVar:

ClinVar aggregate classification (germline): Likely benign. Review status: criteria provided, multiple submitters, no conflicts (2 of 4 stars). 3 submissions from 3 submitters: Likely benign (2). 1 of the submissions does not count toward it. Last evaluated 2025-10-07.

Conditions:
TALDO1-related disorder. Also called: TALDO1-related condition.

Allele frequency attached by ClinVar (database versions not stated): gnomAD exomes 0.00006 and 0.00002; ExAC 0.00007; gnomAD 0.00019 and 0.00021; ESP Exome Variant Server 0.00031; 1000 Genomes Project 30x 0.00016; TOPMed 0.00028; 1000 Genomes Project 0.00020.
gnomAD v4.1: 52 of 1,614,272 alleles (0.0032%); highest among the groups gnomAD compares: African/African-American, 0.059%; no homozygotes.

Submissions (3):

Mayo Clinic Laboratories, Mayo Clinic
Classification: Likely benign. Last evaluated: 2025-10-07. Review status: criteria provided, single submitter. Criteria: ACMG Guidelines, 2015. Collection method: clinical testing. Allele origin: germline. Observed: 1 variant allele.
Comment: BP4, BP7

Labcorp Genetics (formerly Invitae), Labcorp
Classification: Likely benign. Last evaluated: 2025-02-09. Review status: criteria provided, single submitter. Criteria: Invitae Variant Classification Sherloc (09022015). Collection method: clinical testing. Allele origin: germline.

PreventionGenetics, part of Exact Sciences
Classification: Likely benign for TALDO1-related condition. Last evaluated: 2021-06-09. Review status: no assertion criteria provided. Collection method: clinical testing. Allele origin: germline. Not counted in ClinVar's aggregate classification.
Comment: This variant is classified as likely benign based on ACMG/AMP sequence variant interpretation guidelines (Richards et al. 2015 PMID: 25741868, with internal and published modifications).

NM_006755.2(TALDO1):c.897C>T (p.Asn299=)

Gene: TALDO1 (transaldolase 1; plus strand). Cytogenetic location: 11p15.5.
Variant type: single nucleotide variant.
Coding change: c.897C>T on transcript NM_006755.2 (MANE Select); coding-DNA position 897, C replaced by T.
Protein change: p.Asn299=; no amino-acid change (asparagine 299 retained).
Molecular consequence: synonymous variant.
Genome position (GRCh38, 1-based): chr11:764,349, C>T. VCF-style: chr11-764349-C-T. GRCh37 (hg19) VCF-style: chr11-764349-C-T.
Other names: p.Asn299=.
Identifiers: ClinVar variation 727787 (VCV000727787.9), dbSNP rs142741895, ClinGen allele CA5788347.